The following is an entry in ClinVar:

NM_000245.4(MET):c.2402G>C (p.Cys801Ser)

Gene: MET (MET proto-oncogene, receptor tyrosine kinase; plus strand). Cytogenetic location: 7q31.2.
Variant type: single nucleotide variant.
Coding change: c.2402G>C on transcript NM_000245.4 (MANE Select); coding-DNA position 2402, G replaced by C.
Protein change: p.Cys801Ser; replaces cysteine 801 with serine.
Molecular consequence: missense variant.
Genome position (GRCh38, 1-based): chr7:116,763,087, G>C. VCF-style: chr7-116763087-G-C. GRCh37 (hg19) VCF-style: chr7-116403141-G-C.
Other names: c.2456G>C, p.Cys819Ser (NM_001127500.3); c.2402G>C, p.Cys801Ser (NM_001324401.3); c.1112G>C, p.Cys371Ser (NM_001324402.2); short protein forms C801S, C819S, C371S.
Identifiers: ClinVar variation 1791554 (VCV001791554.4), dbSNP rs2116954309, ClinGen allele CA368983015.

ClinVar aggregate classification (germline): Uncertain significance. Review status: criteria provided, multiple submitters, no conflicts (2 of 4 stars). 2 submissions from 2 submitters: Uncertain significance (2). Last evaluated 2024-05-23.

Conditions:
Renal cell carcinoma. Identifiers: Orphanet 217071, MedGen C0007134, MeSH D002292, MONDO:0005086, HP:0005584.
Hereditary cancer-predisposing syndrome. Also called: Hereditary Cancer Syndrome; Hereditary neoplastic syndrome; Tumor predisposition; Neoplastic Syndromes, Hereditary. Identifiers: Orphanet 140162, MedGen C0027672, MeSH D009386, MONDO:0015356.

Submissions (2):

Labcorp Genetics (formerly Invitae), Labcorp
Classification: Uncertain significance for Renal cell carcinoma. Last evaluated: 2024-05-23. Review status: criteria provided, single submitter. Criteria: Invitae Variant Classification Sherloc (09022015). Collection method: clinical testing. Allele origin: germline.
Comment: This sequence change replaces cysteine, which is neutral and slightly polar, with serine, which is neutral and polar, at codon 819 of the MET protein (p.Cys819Ser). This variant is not present in population databases (gnomAD no frequency). This variant has not been reported in the literature in individuals affected with MET-related conditions. ClinVar contains an entry for this variant (Variation ID: 1791554). An algorithm developed to predict the effect of missense changes on protein structure and function (PolyPhen-2) suggests that this variant is likely to be disruptive. In summary, the available evidence is currently insufficient to determine the role of this variant in disease. Therefore, it has been classified as a Variant of Uncertain Significance.

Ambry Genetics
Classification: Uncertain significance for Hereditary cancer-predisposing syndrome. Last evaluated: 2021-01-24. Review status: criteria provided, single submitter. Criteria: Ambry Variant Classification Scheme 2023. Collection method: clinical testing. Allele origin: germline.
Comment: The p.C819S variant (also known as c.2456G>C), located in coding exon 10 of the MET gene, results from a G to C substitution at nucleotide position 2456. The cysteine at codon 819 is replaced by serine, an amino acid with dissimilar properties. This amino acid position is highly conserved in available vertebrate species. In addition, this alteration is predicted to be deleterious by in silico analysis. Since supporting evidence is limited at this time, the clinical significance of this alteration remains unclear.